The following is an entry in ClinVar:

ClinVar aggregate classification (germline): Likely benign (1 of 4 stars; one submission).

Allele frequency attached by ClinVar (database versions not stated): 1000 Genomes Project 30x 0.00234; 1000 Genomes Project 0.00240; TOPMed 0.00487; gnomAD 0.00661 and 0.00687; gnomAD exomes 0.00805.
gnomAD v4.1: 7,182 of 933,366 alleles (0.77%); highest among the groups gnomAD compares: Non-Finnish European, 1%; 61 homozygotes.

Submission:

GeneDx
Classification: Likely benign. Last evaluated: 2018-06-14. Review status: criteria provided, single submitter. Criteria: GeneDx Variant Classification (06012015). Collection method: clinical testing. Allele origin: germline. Affected: yes.
Comment: This variant is considered likely benign or benign based on one or more of the following criteria: it is a conservative change, it occurs at a poorly conserved position in the protein, it is predicted to be benign by multiple in silico algorithms, and/or has population frequency not consistent with disease.

NM_005506.4(SCARB2):c.1187+95T>G

Gene: SCARB2 (scavenger receptor class B member 2; minus strand). Cytogenetic location: 4q21.1.
Variant type: single nucleotide variant.
Coding change: c.1187+95T>G on transcript NM_005506.4 (MANE Select); 95 bases into the intron after coding-DNA position 1187, T replaced by G.
Molecular consequence: intron variant.
Genome position (GRCh38, 1-based): chr4:76,168,308, A>C on the plus strand (T>G on the coding strand, the complement: SCARB2 is on the minus strand). VCF-style: chr4-76168308-A-C. GRCh37 (hg19) VCF-style: chr4-77089461-A-C.
Other names: c.758+95T>G (NM_001204255.2).
Identifiers: ClinVar variation 674470 (VCV000674470.1), dbSNP rs192412983, ClinGen allele CA99887740.
Genomic context (GRCh38, chr4:76,168,308, plus strand): 5'-AAGGCACCCATGAAAATGCTGATCATGCCCCATCCCTGAAGGGCAGGGGTGAGCAGGCTT[A>C]GATGAAGTAGGCTGTACTCCTCCTGACATCAACCCCACCAGACGGGCAATGGAGCAAAAC-3'